The following is an entry in ClinVar:

NM_212482.4(FN1):c.6391T>A (p.Ser2131Thr)

Gene: FN1 (fibronectin 1; minus strand). Cytogenetic location: 2q35.
Variant type: single nucleotide variant.
Coding change: c.6391T>A on transcript NM_212482.4 (MANE Select); coding-DNA position 6391, T replaced by A.
Protein change: p.Ser2131Thr; replaces serine 2131 with threonine.
Molecular consequence: missense variant. On other transcripts: intron variant (3).
Genome position (GRCh38, 1-based): chr2:215,372,232, A>T on the plus strand (T>A on the coding strand, the complement: FN1 is on the minus strand). VCF-style: chr2-215372232-A-T. GRCh37 (hg19) VCF-style: chr2-216236955-A-T.
Other names: c.5848T>A, p.Ser1950Thr (NM_001306131.2, NM_212476.3); c.5773T>A, p.Ser1925Thr (NM_001306132.2, NM_001365523.2); c.6121T>A, p.Ser2041Thr (NM_001365517.2, NM_001365521.2); c.6118T>A, p.Ser2040Thr (NM_001365518.2, NM_002026.4); c.6046T>A, p.Ser2016Thr (NM_001365519.2, NM_001365522.2); c.6043T>A, p.Ser2015Thr (NM_001365520.2, NM_212478.3); c.6391T>A, p.Ser2131Thr (NM_001306129.2); c.5705-217T>A (NM_212474.3); and 2 more; short protein forms S1925T, S1950T, S2015T, S2016T, S2040T, S2041T, S2131T.
Identifiers: ClinVar variation 5040025 (VCV005040025.1).

ClinVar aggregate classification (germline): Uncertain significance (1 of 4 stars; one submission).

Submission:

CeGaT Center for Human Genetics Tuebingen
Classification: Uncertain significance. Last evaluated: 2026-07-01. Review status: criteria provided, single submitter. Criteria: CeGaT Center For Human Genetics Tuebingen Variant Classification Criteria Version 2. Collection method: clinical testing. Allele origin: germline. Affected: yes. Observed: 1 variant allele.
Comment: FN1: PM2, PP2, BP4